The following is an entry in ClinVar:

NM_001379029.1(CERT1):c.-121del

Genes: POLK (DNA polymerase kappa; plus strand), CERT1 (ceramide transporter 1; minus strand). Cytogenetic location: 5q13.3.
Variant type: Deletion.
Coding change: c.-121del on transcript NM_001379029.1 (MANE Select); 121 bases upstream of the start codon, one base deleted (C; older notation c.-121delC).
Molecular consequence: 5 prime UTR variant. On other transcripts: frameshift variant (1).
Genome position (GRCh38, 1-based): chr5:75,511,328, G deleted on the plus strand (C on the coding strand, the reverse complement: CERT1 is on the minus strand); the first of 7 consecutive G bases (chr5:75,511,328-75,511,334); deleting any one gives the same sequence. VCF-style (leftmost placement, unchanged base first): chr5-75511327-TG-T. GRCh37 (hg19) VCF-style: chr5-74807152-TG-T.
Other names: c.264del, p.Thr89fs (NM_001130105.1); c.-121del (NM_001379002.1, NM_001379003.1, NM_001379004.1 and 2 more transcripts); c.264delC (NM_001130105.1); short protein forms T89fs.
Identifiers: ClinVar variation 996843 (VCV000996843.3), dbSNP rs893362976, ClinGen allele CA120940652.
Genomic context (GRCh38, chr5:75,511,327, plus strand): 5'-CGCCCAGTCCTCGGGGTGAAGGGTCGGGGGATGGCGAAGCGAAGAGTGCCCGCTCCGGTG[TG>T]GGGGGGAGCAGGAGGAGGGACGAAGTCCGCCCGCCGCGCCGCCGCCGCGCCTGACACCGA-3'

ClinVar aggregate classification (germline): Conflicting classifications of pathogenicity. Review status: criteria provided, conflicting classifications (1 of 4 stars). 3 submissions from 3 submitters: Uncertain significance (2); Benign (1). Last evaluated 2026-06-18.

Conditions:
Intellectual disability, autosomal dominant 34 (NEDHSF). Also called: Ceramide Transporter Syndrome; INTELLECTUAL DEVELOPMENTAL DISORDER, AUTOSOMAL DOMINANT 34; NEURODEVELOPMENTAL DISORDER WITH HYPOTONIA, SPEECH DELAY, AND DYSMORPHIC FACIES; CERTRA SYNDROME. Identifiers: MedGen C4225156, MONDO:0014599, OMIM 616351.

Submissions (3):

Women's Health and Genetics/Laboratory Corporation of America, LabCorp
Classification: Benign. Last evaluated: 2026-06-18. Review status: criteria provided, single submitter. Criteria: LabCorp Variant Classification Summary - May 2015. Collection method: clinical testing. Allele origin: germline.
Comment: Variant summary: CERT1 c.264delC (p.Thr89HisfsX85) results in a premature termination codon, predicted to cause a truncation of the encoded protein or absence of the protein due to nonsense mediated decay. The observed variant frequency within Latino control individuals in the gnomAD database exceeds the estimated maximal expected allele frequency for disease-causing variants in CERT1. c.264delC has been observed in an individual(s) affected with isolated ADHD (Arnett_2024). This report does not provide unequivocal conclusions about the association of the variant with disease. To our knowledge, no experimental evidence demonstrating an impact on protein function has been reported. The following publication has been ascertained in the context of this evaluation (PMID: 37983059). ClinVar contains an entry for this variant (Variation ID: 996843). Based on the evidence outlined above, the variant was classified as benign.

GeneDx
Classification: Uncertain significance. Last evaluated: 2024-08-28. Review status: criteria provided, single submitter. Criteria: GeneDx Variant Classification Process June 2021. Collection method: clinical testing. Allele origin: germline. Affected: yes.
Comment: Reported as a de novo variant in a patient with ADHD in published literature (PMID: 37983059); Frameshift variant predicted to result in protein truncation or nonsense mediated decay in a gene for which loss-of-function is not a known mechanism of disease; This variant is associated with the following publications: (PMID: 37983059)

New York Genome Center
Classification: Uncertain significance for Intellectual disability, autosomal dominant 34. Last evaluated: 2019-09-10. Review status: criteria provided, single submitter. Criteria: NYGC Assertion Criteria 2020. Collection method: clinical testing. Allele origin: maternal. Inheritance: Autosomal dominant inheritance. Observed: 1 heterozygote. Study: CSER-NYCKidSeq. Segregation with disease not observed.

Literature cited by the submitters: PubMed 37983059 (cited by Women's Health and Genetics/Laboratory Corporation of America, LabCorp).